The following is an entry in ClinVar:

ClinVar aggregate classification (germline): Uncertain significance (1 of 4 stars; one submission).

Conditions:
Hereditary cancer-predisposing syndrome. Also called: Tumor predisposition; Neoplastic Syndromes, Hereditary; Hereditary Cancer Syndrome; Hereditary neoplastic syndrome. Identifiers: Orphanet 140162, MedGen C0027672, MeSH D009386, MONDO:0015356.

Submission:

Ambry Genetics
Classification: Uncertain significance for Hereditary cancer-predisposing syndrome. Last evaluated: 2024-11-24. Review status: criteria provided, single submitter. Criteria: Ambry Variant Classification Scheme 2023. Collection method: clinical testing. Allele origin: germline.
Comment: The p.E160K variant (also known as c.478G>A), located in coding exon 5 of the FANCC gene, results from a G to A substitution at nucleotide position 478. The glutamic acid at codon 160 is replaced by lysine, an amino acid with similar properties. This amino acid position is conserved. In addition, the in silico prediction for this alteration is inconclusive. Based on the available evidence, the clinical significance of this variant remains unclear.

NM_000136.3(FANCC):c.478G>A (p.Glu160Lys)

Gene: FANCC (FA complementation group C; minus strand). Cytogenetic location: 9q22.32.
Variant type: single nucleotide variant.
Coding change: c.478G>A on transcript NM_000136.3 (MANE Select); coding-DNA position 478, G replaced by A.
Protein change: p.Glu160Lys; replaces glutamic acid 160 with lysine.
Molecular consequence: missense variant.
Genome position (GRCh38, 1-based): chr9:95,171,122, C>T on the plus strand (G>A on the coding strand, the complement: FANCC is on the minus strand). VCF-style: chr9-95171122-C-T. GRCh37 (hg19) VCF-style: chr9-97933404-C-T.
Other names: c.478G>A, p.Glu160Lys (NM_001243743.2, NM_001243744.2); short protein forms E160K.
Identifiers: ClinVar variation 3512807 (VCV003512807.1).